The following is an entry in ClinVar:

ClinVar aggregate classification (germline): Pathogenic (1 of 4 stars; one submission).

Conditions:
Dilated cardiomyopathy 1O (CMD1O). Also called: CARDIOMYOPATHY, DILATED, WITH VENTRICULAR TACHYCARDIA. Identifiers: Orphanet 154, MedGen C1837839, MONDO:0012062, OMIM 608569.

Submission:

Labcorp Genetics (formerly Invitae), Labcorp
Classification: Pathogenic for Dilated cardiomyopathy 1O. Last evaluated: 2025-09-15. Review status: criteria provided, single submitter. Criteria: Invitae Variant Classification Sherloc (09022015). Collection method: clinical testing. Allele origin: germline.
Comment: This sequence change creates a premature translational stop signal (p.Ser118Argfs*2) in the ABCC9 gene. It is expected to result in an absent or disrupted protein product. Loss-of-function variants in ABCC9 are known to be pathogenic (PMID: 31575858, 38217872). This variant is not present in population databases (gnomAD no frequency). This variant has not been reported in the literature in individuals affected with ABCC9-related conditions. For these reasons, this variant has been classified as Pathogenic.

Literature cited by the submitters: PubMed 31575858; PubMed 38217872.

NM_020297.4(ABCC9):c.351del (p.Ser118fs)

Gene: ABCC9 (ATP binding cassette subfamily C member 9; minus strand). Cytogenetic location: 12p12.1.
Variant type: Deletion.
Coding change: c.351del on transcript NM_020297.4 (MANE Select); coding-DNA position 351, one base deleted (A; older notation c.351delA).
Protein change: p.Ser118fs; shifts the reading frame from serine 118.
Molecular consequence: frameshift variant. On other transcripts: 5 prime UTR variant (1).
Genome position (GRCh38, 1-based): chr12:21,925,997, T deleted on the plus strand (A on the coding strand, the reverse complement: ABCC9 is on the minus strand). VCF-style (leftmost placement, unchanged base first): chr12-21925996-AT-A. GRCh37 (hg19) VCF-style: chr12-22078930-AT-A.
Other names: c.351del, p.Ser118fs (NM_001377273.1, NM_005691.4); c.-104del (NM_001377274.1); short protein forms S118fs.
Identifiers: ClinVar variation 4727207 (VCV004727207.1).
Genomic context (GRCh38, chr12:21,925,996, plus strand): 5'-ACTTACCTAAAAGTAATTTAGGAAAATTTGATGTTTCGATATTATGATAATACACTATCG[AT>A]GTTGTAGTGGCAACGAATCCCATCACGGCTGGCATAAAGAGGTGGAGGTGCCTTGATTCC-3'